The following is an entry in ClinVar:

NM_012434.5(SLC17A5):c.367_368del (p.Gln123fs)

Gene: SLC17A5 (solute carrier family 17 member 5; minus strand). Cytogenetic location: 6q13.
Variant type: Microsatellite.
Coding change: c.367_368del on transcript NM_012434.5 (MANE Select); coding-DNA positions 367 to 368, 2 bases deleted (CA; older notation c.367_368delCA).
Protein change: p.Gln123fs; shifts the reading frame from glutamine 123.
Molecular consequence: frameshift variant.
Genome position (GRCh38, 1-based): chr6:73,641,848-73,641,849, TG deleted on the plus strand (CA on the coding strand, the reverse complement: SLC17A5 is on the minus strand); deleting any 2 consecutive bases within chr6:73,641,848-73,641,853 gives the same sequence; the c. name uses the placement nearest the transcript's 3' end. VCF-style (leftmost placement, unchanged base first): chr6-73641847-CTG-C. GRCh37 (hg19) VCF-style: chr6-74351570-CTG-C.
Other names: c.136_137del, p.Gln46fs (NM_001382629.1, NM_001382636.1); c.367_368del, p.Gln123fs (NM_001382630.1, NM_001382632.1, NM_001382633.1 and 2 more transcripts); c.388_389del, p.Gln130fs (NM_001382631.1); short protein forms Q123fs, Q130fs, Q46fs.
Identifiers: ClinVar variation 4815571 (VCV004815571.1).
Genomic context (GRCh38, chr6:73,641,847, plus strand): 5'-GATCCCAAATCCTAGCAGCATTTTCCCCCCTATTTTGCTGGCAACATATCCTCCAGGAAT[CTG>C]TGTGATGATGTAGCCATAAAAAAAGGAACCGAGAATCCATCCTTGAGTTTCTGCATCCCA-3'

ClinVar aggregate classification (germline): Likely pathogenic (1 of 4 stars; one submission).

Conditions:
Salla disease (SD). Also called: Less Severe FSASD (Salla Disease); Sialuria, Finnish type; N-acetylneuraminic acid (NANA) storage disease (NSD); Infantile sialic acid storage disorder (ISSD). Identifiers: Orphanet 309334, Orphanet 834, MedGen C1096903, MONDO:0011449, OMIM 604369.

Submission:

Natera, Inc.
Classification: Likely pathogenic for Salla disease. Last evaluated: 2024-04-11. Review status: criteria provided, single submitter. Criteria: Natera Variant Classification Schema (03/2026). Collection method: clinical testing. Allele origin: germline.
Comment: The c.367_368delCA variant in SLC17A5 is a frameshift variant predicted to shift the reading frame beginning at codon 123 and leads to a stop codon 71 codons downstream. This variant is expected to result in nonsense mediated decay, truncation, or a dysfunctional protein product. This variant is rare in the general population with a frequency below the threshold expected for the associated phenotype(s). Given the available evidence, this variant is classified as Likely Pathogenic.